The following is an entry in ClinVar:

NM_003865.3(HESX1):c.541A>G (p.Thr181Ala)

Gene: HESX1 (HESX homeobox 1; minus strand). Cytogenetic location: 3p14.3.
Variant type: single nucleotide variant.
Coding change: c.541A>G on transcript NM_003865.3 (MANE Select); coding-DNA position 541, A replaced by G.
Protein change: p.Thr181Ala; replaces threonine 181 with alanine.
Molecular consequence: missense variant.
Genome position (GRCh38, 1-based): chr3:57,198,214, T>C on the plus strand (A>G on the coding strand, the complement: HESX1 is on the minus strand). VCF-style: chr3-57198214-T-C. GRCh37 (hg19) VCF-style: chr3-57232242-T-C.
Other names: short protein forms T181A.
Identifiers: ClinVar variation 7693 (VCV000007693.42), dbSNP rs28936704, ClinGen allele CA119001.
Genomic context (GRCh38, chr3:57,198,214, plus strand): 5'-TGCTCTGCAATTAGAAGATAATTTCACTTGTTTAGTTTTCTATCTATTCCAGCAGATTTG[T>C]GTTGAAATTTTTTTTCGCCATTAGAAACTGTGATTCTCTATGGGACCTTTTCAGTTTTGC-3'
Protein context (NP_003856.1, residues 171-185): QFLMAKKNFN[Thr181Ala]NLLE

ClinVar aggregate classification (germline): Conflicting classifications of pathogenicity. Review status: criteria provided, conflicting classifications (1 of 4 stars). 8 submissions from 8 submitters: Uncertain significance (6); Likely benign (1). 1 of the submissions does not count toward it. Last evaluated 2026-03-01.

Conditions:
Septo-optic dysplasia sequence (SOD). Also called: DE MORSIER SYNDROME; Septo-optic dysplasia. Identifiers: Orphanet 3157, MedGen C0338503, MONDO:0008428, OMIM 182230, HP:0100842.
GROWTH HORMONE DEFICIENCY WITH PITUITARY ANOMALIES. Identifiers: MedGen C2750027, OMIM 182230.
Inborn genetic diseases. Identifiers: MedGen C0950123, MeSH D030342.

Allele frequency attached by ClinVar (database versions not stated): gnomAD 0.00008; TOPMed 0.00009; ExAC 0.00010; gnomAD exomes 0.00010 and 0.00015.
gnomAD v4.1: 226 of 1,607,062 alleles (0.014%); highest among the groups gnomAD compares: Non-Finnish European, 0.018%; no homozygotes.

Submissions (8):

CeGaT Center for Human Genetics Tuebingen
Classification: Likely benign. Last evaluated: 2026-03-01. Review status: criteria provided, single submitter. Criteria: CeGaT Center For Human Genetics Tuebingen Variant Classification Criteria Version 2. Collection method: clinical testing. Allele origin: germline. Affected: yes. Observed: 3 variant alleles.
Comment: HESX1: BP4

Blueprint Genetics
Classification: Uncertain significance. Last evaluated: 2024-10-17. Review status: criteria provided, single submitter. Criteria: ACMG Guidelines, 2015. Collection method: clinical testing. Allele origin: germline.

Labcorp Genetics (formerly Invitae), Labcorp
Classification: Uncertain significance for GROWTH HORMONE DEFICIENCY WITH PITUITARY ANOMALIES; Septo-optic dysplasia sequence. Last evaluated: 2023-11-15. Review status: criteria provided, single submitter. Criteria: Invitae Variant Classification Sherloc (09022015). Collection method: clinical testing. Allele origin: germline.
Comment: This sequence change replaces threonine, which is neutral and polar, with alanine, which is neutral and non-polar, at codon 181 of the HESX1 protein (p.Thr181Ala). This variant is present in population databases (rs28936704, gnomAD 0.02%). This missense change has been observed in individual(s) with clinical features of HESX1-related conditions (PMID: 11136712, 32483926, 33098107). ClinVar contains an entry for this variant (Variation ID: 7693). Algorithms developed to predict the effect of missense changes on protein structure and function output the following: SIFT: "Not Available"; PolyPhen-2: "Benign"; Align-GVGD: "Not Available". The alanine amino acid residue is found in multiple mammalian species, which suggests that this missense change does not adversely affect protein function. In summary, the available evidence is currently insufficient to determine the role of this variant in disease. Therefore, it has been classified as a Variant of Uncertain Significance.

Ambry Genetics
Classification: Uncertain significance for Inborn genetic diseases. Last evaluated: 2022-04-11. Review status: criteria provided, single submitter. Criteria: Ambry Variant Classification Scheme 2023. Collection method: clinical testing. Allele origin: germline.
Comment: The c.541A>G (p.T181A) alteration is located in exon 4 (coding exon 4) of the HESX1 gene. This alteration results from a A to G substitution at nucleotide position 541, causing the threonine (T) at amino acid position 181 to be replaced by an alanine (A). (Thomas, 2001) Based on insufficient or conflicting evidence, the clinical significance of this alteration remains unclear.

GeneDx
Classification: Uncertain significance. Last evaluated: 2021-04-09. Review status: criteria provided, single submitter. Criteria: GeneDx Variant Classification Process June 2021. Collection method: clinical testing. Allele origin: germline. Affected: yes.
Comment: Identified as heterozygous in a patient with isolated growth hormone deficiency and pituitary hypoplasia and in a patient with combined pituitary hormone deficiency, anterior pituitary hypoplasia, and ectopic posterior lobe in published literature (Thomas et al., 2001; Jullien et al., 2021); In silico analysis supports that this missense variant does not alter protein structure/function; This variant is associated with the following publications: (PMID: 11136712, 33098107)

Illumina Laboratory Services, Illumina
Classification: Uncertain significance for Septo-optic dysplasia sequence. Last evaluated: 2017-04-27. Review status: criteria provided, single submitter. Criteria: ICSL Variant Classification Criteria 13 December 2019. Collection method: clinical testing. Allele origin: germline.
Comment: This variant was observed as part of a predisposition screen in an ostensibly healthy population. A literature search was performed for the gene, cDNA change, and amino acid change (where applicable). Publications were found based on this search. However, the evidence from the literature, in combination with allele frequency data from public databases where available, was not sufficient to rule this variant in or out of causing disease. Therefore, this variant is classified as a variant of unknown significance.

Eurofins Ntd Llc (ga)
Classification: Uncertain significance. Last evaluated: 2016-10-31. Review status: criteria provided, single submitter. Criteria: EGL Classification Definitions 2015. Collection method: clinical testing. Allele origin: germline. Observed: 1 variant allele, 1 heterozygote.

OMIM
Classification: Pathogenic for GROWTH HORMONE DEFICIENCY WITH PITUITARY ANOMALIES. Last evaluated: 2001-01-01. Review status: no assertion criteria provided. Collection method: literature only. Allele origin: germline. Not counted in ClinVar's aggregate classification.

Literature cited by the submitters: PubMed 11136712 (cited by 4 submitters); PubMed 32483926 (cited by Labcorp Genetics (formerly Invitae), Labcorp); PubMed 33098107 (cited by Labcorp Genetics (formerly Invitae), Labcorp).